The following is an entry in ClinVar:

NM_018418.5(SPATA7):c.1238A>G (p.His413Arg)

Gene: SPATA7 (spermatogenesis associated 7; plus strand). Cytogenetic location: 14q31.3.
Variant type: single nucleotide variant.
Coding change: c.1238A>G on transcript NM_018418.5 (MANE Select); coding-DNA position 1238, A replaced by G.
Protein change: p.His413Arg; replaces histidine 413 with arginine.
Molecular consequence: missense variant.
Genome position (GRCh38, 1-based): chr14:88,437,860, A>G. VCF-style: chr14-88437860-A-G. GRCh37 (hg19) VCF-style: chr14-88904204-A-G.
Other names: c.1142A>G, p.His381Arg (NM_001040428.4); short protein forms H413R, H381R.
Identifiers: ClinVar variation 421702 (VCV000421702.14), dbSNP rs149478294, ClinGen allele CA7298781.

ClinVar aggregate classification (germline): Conflicting classifications of pathogenicity. Review status: criteria provided, conflicting classifications (1 of 4 stars). 3 submissions from 3 submitters: Uncertain significance (1); Likely benign (2). Last evaluated 2026-02-04.

Conditions:
Leber congenital amaurosis 3 (LCA3). Also called: SPATA7-Related Retinitis Pigmentosa. Identifiers: MedGen C1858677, MONDO:0011415, OMIM 604232.

Allele frequency attached by ClinVar (database versions not stated): gnomAD exomes 0.00020 and 0.00054; ExAC 0.00062; gnomAD 0.00182 and 0.00196; 1000 Genomes Project 0.00200; TOPMed 0.00203; ESP Exome Variant Server 0.00208; 1000 Genomes Project 30x 0.00219.
gnomAD v4.1: 569 of 1,597,908 alleles (0.036%); highest among the groups gnomAD compares: African/African-American, 0.71%; 1 homozygote.

Submissions (3):

Labcorp Genetics (formerly Invitae), Labcorp
Classification: Likely benign for Leber congenital amaurosis 3. Last evaluated: 2026-02-04. Review status: criteria provided, single submitter. Criteria: Invitae Variant Classification Sherloc (09022015). Collection method: clinical testing. Allele origin: germline.

Blueprint Genetics
Classification: Likely benign. Last evaluated: 2024-08-14. Review status: criteria provided, single submitter. Criteria: ACMG Guidelines, 2015. Collection method: clinical testing. Allele origin: germline.

GeneDx
Classification: Uncertain significance. Last evaluated: 2017-02-14. Review status: criteria provided, single submitter. Criteria: GeneDx Variant Classification (06012015). Collection method: clinical testing. Allele origin: germline. Affected: yes.
Comment: The H413R variant in the SPATA7 gene has not been reported previously as a pathogenic variant, nor as a benign variant, to our knowledge. The H413R variant is observed in 71/10038 (0.71%) alleles from individuals of African background, in the ExAC dataset (Lek et al., 2016). The H413R variant is a conservative amino acid substitution, which is not likely to impact secondary protein structure as these residues share similar properties. This substitution occurs at a position that is not conserved across species. In silico analysis is inconsistent in its predictions as to whether or not the variant is damaging to the protein structure/function. We interpret H413R as a variant of uncertain significance.